The following is an entry in ClinVar:

NM_018946.4(NANS):c.70G>A (p.Glu24Lys)

Genes: NANS (N-acetylneuraminate synthase; plus strand), TRIM14 (tripartite motif containing 14; minus strand). Cytogenetic location: 9q22.33.
Variant type: single nucleotide variant.
Coding change: c.70G>A on transcript NM_018946.4 (MANE Select); coding-DNA position 70, G replaced by A.
Protein change: p.Glu24Lys; replaces glutamic acid 24 with lysine.
Molecular consequence: missense variant.
Genome position (GRCh38, 1-based): chr9:98,056,878, G>A. VCF-style: chr9-98056878-G-A. GRCh37 (hg19) VCF-style: chr9-100819160-G-A.
Other names: short protein forms E24K.
Identifiers: ClinVar variation 3906662 (VCV003906662.1).

ClinVar aggregate classification (germline): Uncertain significance (1 of 4 stars; one submission).

Submission:

GeneDx
Classification: Uncertain significance. Last evaluated: 2024-12-17. Review status: criteria provided, single submitter. Criteria: GeneDx Variant Classification Process June 2021. Collection method: clinical testing. Allele origin: germline. Affected: yes.
Comment: Not observed at significant frequency in large population cohorts (gnomAD); In silico analysis supports that this missense variant has a deleterious effect on protein structure/function; Has not been previously published as pathogenic or benign to our knowledge